The following is an entry in ClinVar:

ClinVar aggregate classification (germline): Pathogenic. Review status: criteria provided, multiple submitters, no conflicts (2 of 4 stars). 9 submissions from 9 submitters: Pathogenic (7). 2 of the submissions do not count toward it. Last evaluated 2025-09-10.
ClinVar aggregate classification (oncogenicity): Likely oncogenic (1 of 4 stars; one submission).

Conditions:
Hereditary cancer-predisposing syndrome. Also called: Neoplastic Syndromes, Hereditary; Tumor predisposition; Hereditary Cancer Syndrome; Hereditary neoplastic syndrome. Identifiers: Orphanet 140162, MedGen C0027672, MeSH D009386, MONDO:0015356.
Familial adenomatous polyposis 1 (FAP1). Also called: POLYPOSIS, ADENOMATOUS INTESTINAL; FAMILIAL ADENOMATOUS POLYPOSIS 1, ATTENUATED. Identifiers: MedGen C2713442, MONDO:0021056, OMIM 175100. Disease mechanism: loss of function.
Carcinoma of colon (CRC). Also called: Colon carcinoma; Colonic carcinoma. Identifiers: MedGen C0699790, MONDO:0002032.
Periampullary adenoma. Also called: Adenoma, periampullary, somatic. Identifiers: MedGen CN068444, MONDO:0000488.
Neoplasm. Also called: tumor; Neoplasms; Neoplasm (disease). Identifiers: MedGen C0027651, MeSH D009369, MONDO:0005070, HP:0002664.

Submissions (10):

Center for Genomic Medicine, Rigshospitalet, Copenhagen University Hospital
Classification: Likely oncogenic for Neoplasm. Last evaluated: 2025-12-29. Review status: criteria provided, single submitter. Criteria: ClinGen/CGC/VICC Guidelines for Oncogenicity, 2022. Collection method: clinical testing. Allele origin: somatic. Affected: yes.

Genomic Medicine Center of Excellence, King Faisal Specialist Hospital and Research Centre
Classification: Pathogenic for Familial adenomatous polyposis 1. Last evaluated: 2025-09-10. Review status: criteria provided, single submitter. Criteria: ACMG Guidelines, 2015. Collection method: clinical testing. Allele origin: germline.

GeneDx
Classification: Pathogenic. Last evaluated: 2024-03-12. Review status: criteria provided, single submitter. Criteria: GeneDx Variant Classification Process June 2021. Collection method: clinical testing. Allele origin: germline. Affected: yes.
Comment: Frameshift variant predicted to result in protein truncation or nonsense mediated decay in a gene for which loss of function is a known mechanism of disease; Not observed at significant frequency in large population cohorts (gnomAD); Also known as 4393del4; This variant is associated with the following publications: (PMID: 9101302, 16088911, 21643010, 17486639, 20685668, 20223039, 29026543, 23159591, 15108286, 31159747, 34873480)

Myriad Genetics, Inc.
Classification: Pathogenic for Familial adenomatous polyposis 1. Last evaluated: 2023-05-10. Review status: criteria provided, single submitter. Criteria: Myriad Autosomal Dominant, Autosomal Recessive and X-Linked Classification Criteria (2023). Collection method: clinical testing. Allele origin: unknown.
Comment: This variant is considered pathogenic. This variant creates a frameshift predicted to result in premature protein truncation.

Labcorp Genetics (formerly Invitae), Labcorp
Classification: Pathogenic for Familial adenomatous polyposis 1. Last evaluated: 2023-04-20. Review status: criteria provided, single submitter. Criteria: Invitae Variant Classification Sherloc (09022015). Collection method: clinical testing. Allele origin: germline.
Comment: ClinVar contains an entry for this variant (Variation ID: 812). For these reasons, this variant has been classified as Pathogenic. A different truncation (p.Tyr2645Lysfs*14) that lies downstream of this variant has been determined to be pathogenic (PMID: 9824584, 1316610, 27081525, 8381579, 22135120, Invitae). This suggests that deletion of this region of the APC protein is causative of disease. This variant is expected to disrupt the EB1 and HDLG binding sites, which mediate interactions with the cytoskeleton (PMID: 15311282, 17293347). While functional studies have not been performed to directly test the effect on APC protein function, this suggests that disruption of the C-terminal portion of the protein is functionally important. This premature translational stop signal has been observed in individual(s) with familial adenomatous polyposis (FAP) (PMID: 15108286, 16088911, 20223039, 20685668, 21643010, 23159591). This variant is not present in population databases (gnomAD no frequency). This sequence change creates a premature translational stop signal (p.Glu1464Valfs*8) in the APC gene. While this is not anticipated to result in nonsense mediated decay, it is expected to disrupt the last 1380 amino acid(s) of the APC protein.

Ambry Genetics
Classification: Pathogenic for Hereditary cancer-predisposing syndrome. Last evaluated: 2023-03-02. Review status: criteria provided, single submitter. Criteria: Ambry Variant Classification Scheme 2023. Collection method: clinical testing. Allele origin: germline.
Comment: The c.4391_4394delAGAG pathogenic mutation, located in coding exon 15 of the APC gene, results from a deletion of 4 nucleotides at nucleotide positions 4391 to 4394, causing a translational frameshift with a predicted alternate stop codon (p.E1464Vfs*8). This mutation has been reported in multiple patients with a clinical diagnosis of familial adenomatous polyposis (FAP) or attenuated FAP (AFAP) (Armstrong JG et al. Hum. Mutat., 1997;10:376-80; Gismondi V et al. Hum. Mutat., 1997;9:370-3; Bisgaard ML et al. Hum. Mutat., 2004 May;23:522; Friedl W et al. Hered Cancer Clin Pract, 2005 Sep;3:95-114; Kim DW et al. Hum. Mutat., 2005 Sep;26:281; Lagarde A et al. J. Med. Genet., 2010 Oct;47:721-2; Rohlin A et al. Oncogene, 2011 Dec;30:4977-89; Kerr SE et al. J Mol Diagn, 2013 Jan;15:31-43). This alteration is expected to result in loss of function by premature protein truncation. As such, this alteration is interpreted as a disease-causing mutation.

Color Diagnostics, LLC DBA Color Health
Classification: Pathogenic for Hereditary cancer-predisposing syndrome. Last evaluated: 2020-06-10. Review status: criteria provided, single submitter. Criteria: ACMG Guidelines, 2015. Collection method: clinical testing. Allele origin: germline.
Comment: This variant deletes 4 nucleotides in exon 16 of the APC gene, creating a frameshift and premature translation stop signal. This variant is expected to result in an absent or non-functional protein product. To our knowledge, this variant has been reported in individuals affected with familial adenomatous polyposis (FAP; PMID: 15108286, 16088911, 20223039, 21643010), an FAP somatic mosaicism case (PMID: 17486639), and a Gardner fibroma case in the literature (PMID: 29026543). This variant has not been identified in the general population by the Genome Aggregation Database (gnomAD). Loss of APC function is a known mechanism of disease. Based on the available evidence, this variant is classified as Pathogenic.

GeneKor MSA
Classification: Pathogenic for Hereditary cancer-predisposing syndrome. Last evaluated: 2020-01-01. Review status: criteria provided, single submitter. Criteria: ACMG Guidelines, 2015. Collection method: clinical testing. Allele origin: germline. Affected: yes.
Comment: This sequence change deletes four bases from exon 11 of the APC mRNA (c.4391_4394delAGAG), causing a frameshift after codon 1464 and the creation of a premature translation stop signal 8 amino acid residues later, p.(Glu1464Valfs). This is expected to result in an absent or disrupted protein product. This sequence change has been reported in the literature in individuals affected with familial adenomatous polyposis (FAP) (PMID: 20685668, 15108286, 16088911, 21643010, 20223039, 23159591). Truncating variants in APC are known to be pathogenic. The mutation database Clinvar contains entries for this variant (Variation ID:812).

OMIM
Classification: Pathogenic for ADENOMA, PERIAMPULLARY, SOMATIC. Last evaluated: 1993-11-01. Review status: no assertion criteria provided. Collection method: literature only. Allele origin: somatic. Not counted in ClinVar's aggregate classification.

Department of Pathology and Laboratory Medicine, Sinai Health System
Classification: Pathogenic for Carcinoma of colon. Review status: no assertion criteria provided. Collection method: clinical testing. Allele origin: unknown. Affected: yes. Observed: 1 variant allele. Study: The Canadian Open Genetics Repository (COGR). Not counted in ClinVar's aggregate classification.
Comment: The p.Glu1464ValfsX8 deletion has been previously reported in the literature in 1 of 54 chromosomes from individuals with familial adenomatous polyposis (Gismondi 1997). is predicted to cause a frameshift, which alters the protein's amino acid sequence beginning at codon 1464 and leads to a premature stop codon 8 amino acids downstream. This alteration is then predicted to result in a truncated or absent protein and loss of function. Loss of function variants of the APC gene are an established mechanism of FAP. Notably, this deletion occurs in the last exon of the APC gene and stop codon or nonsense mutations in this region may not be subjected to nonsense mediated RNA decay, although further study would be required to validate the hypothesis and it is currently not possible to determine whether or not this might influence the severity of the disorder. However, this is the type of alteration that is expected to cause the disorder. In summary, based on the above information, this variant meets our laboratory's criteria to be classified as pathogenic.

Literature cited by the submitters: PubMed 34352208 (cited by Center for Genomic Medicine, Rigshospitalet, Copenhagen University Hospital); PubMed 9824584 (cited by Labcorp Genetics (formerly Invitae), Labcorp); PubMed 1316610 (cited by Labcorp Genetics (formerly Invitae), Labcorp); PubMed 27081525 (cited by Labcorp Genetics (formerly Invitae), Labcorp); PubMed 8381579 (cited by Labcorp Genetics (formerly Invitae), Labcorp); PubMed 22135120 (cited by Labcorp Genetics (formerly Invitae), Labcorp); PubMed 15311282 (cited by Labcorp Genetics (formerly Invitae), Labcorp); PubMed 17293347 (cited by Labcorp Genetics (formerly Invitae), Labcorp); PubMed 15108286 (cited by Labcorp Genetics (formerly Invitae), Labcorp and Ambry Genetics); PubMed 16088911 (cited by Labcorp Genetics (formerly Invitae), Labcorp and Ambry Genetics); PubMed 20223039 (cited by Labcorp Genetics (formerly Invitae), Labcorp and Ambry Genetics); PubMed 20685668 (cited by Labcorp Genetics (formerly Invitae), Labcorp and Ambry Genetics); PubMed 21643010 (cited by Labcorp Genetics (formerly Invitae), Labcorp and Ambry Genetics); PubMed 23159591 (cited by Labcorp Genetics (formerly Invitae), Labcorp and Ambry Genetics); PubMed 17486639 (cited by Ambry Genetics); PubMed 9101302 (cited by Ambry Genetics); PubMed 9375853 (cited by Ambry Genetics); PubMed 8281160 (cited by OMIM).

NM_000038.6(APC):c.4391_4394del (p.Glu1464fs)

Gene: APC (APC regulator of Wnt signaling pathway; plus strand). Cytogenetic location: 5q22.2.
Variant type: Microsatellite.
Coding change: c.4391_4394del on transcript NM_000038.6 (MANE Select); coding-DNA positions 4391 to 4394, 4 bases deleted (AGAG; older notation c.4391_4394delAGAG).
Protein change: p.Glu1464fs; shifts the reading frame from glutamic acid 1464.
Molecular consequence: frameshift variant.
Genome position (GRCh38, 1-based): chr5:112,839,985-112,839,988, AGAG deleted; deleting any 4 consecutive bases within chr5:112,839,979-112,839,988 gives the same sequence; the c. name uses the placement nearest the transcript's 3' end. VCF-style (leftmost placement, unchanged base first): chr5-112839978-AAGAG-A. GRCh37 (hg19) VCF-style: chr5-112175675-AAGAG-A.
Other names: c.4391_4394delAGAG (NM_000038.6); c.4391_4394del (NM_000038.5); c.4391_4394del, p.Glu1464fs (NM_001127510.3, NM_001354895.2); c.4337_4340del, p.Glu1446fs (NM_001127511.3); c.4445_4448del, p.Glu1482fs (NM_001354896.2); c.4421_4424del, p.Glu1474fs (NM_001354897.2); c.4316_4319del, p.Glu1439fs (NM_001354898.2); c.4307_4310del, p.Glu1436fs (NM_001354899.2); and 7 more; short protein forms E1363fs, E1464fs, E1482fs, E1181fs, E1373fs, E1446fs, E1338fs, E1439fs.
Identifiers: ClinVar variation 812 (VCV000000812.57), dbSNP rs387906234, ClinGen allele CA009513.